The following is an entry in ClinVar:

NM_001267550.2(TTN):c.82186dup (p.Gln27396fs)

Genes: TTN-AS1 (TTN antisense RNA 1; plus strand), TTN (titin; minus strand). Cytogenetic location: 2q31.2.
Variant type: Duplication.
Coding change: c.82186dup on transcript NM_001267550.2 (MANE Select); coding-DNA position 82186, one base duplicated (C; older notation c.82186dupC).
Protein change: p.Gln27396fs; shifts the reading frame from glutamine 27396.
Molecular consequence: frameshift variant.
Genome position (GRCh38, 1-based): chr2:178,563,946, G duplicated on the plus strand (C on the coding strand, the reverse complement: TTN is on the minus strand). VCF-style (leftmost placement, unchanged base first): chr2-178563945-T-TG. GRCh37 (hg19) VCF-style: chr2-179428672-T-TG.
Other names: c.77263dup, p.Gln25755fs (NM_001256850.1); c.54991dup, p.Gln18331fs (NM_003319.4); c.74482dup, p.Gln24828fs (NM_133378.4); c.55366dup, p.Gln18456fs (NM_133432.3); c.55567dup, p.Gln18523fs (NM_133437.4); c.54991dupC (NM_003319.4); short protein forms Q18523fs, Q18456fs, Q24828fs, Q27396fs, Q18331fs, Q25755fs.
Identifiers: ClinVar variation 1747887 (VCV001747887.6), dbSNP rs2468186571, ClinGen allele CA2580064739.
Genomic context (GRCh38, chr2:178,563,945, plus strand): 5'-GAGAGTCGGCTTGTCTCCCTCTTTTCAATGATGTAATGTGAAATATTAGCACCACCATCT[T>TG]GCAAAGGTGGGTTCCATGCCAGGTAACATTTTTCCGCAGTAACTCCAGTAACTTTCAGAG-3'

ClinVar aggregate classification (germline): Likely pathogenic. Review status: criteria provided, multiple submitters, no conflicts (2 of 4 stars). 2 submissions from 2 submitters: Likely pathogenic (2). Last evaluated 2023-08-02.

Conditions:
Autosomal recessive limb-girdle muscular dystrophy type 2J (LGMDR10). Also called: Limb-girdle muscular dystrophy, type 2J; MUSCULAR DYSTROPHY, LIMB-GIRDLE, AUTOSOMAL RECESSIVE 10. Identifiers: Orphanet 140922, MedGen C1837342, MONDO:0012127, OMIM 608807.
Dilated cardiomyopathy 1G (CMD1G). Identifiers: Orphanet 154, MedGen C1858763, MONDO:0011400, OMIM 604145.
Cardiovascular phenotype. Identifiers: MedGen CN230736.

Submissions (2):

Labcorp Genetics (formerly Invitae), Labcorp
Classification: Likely pathogenic for Dilated cardiomyopathy 1G; Autosomal recessive limb-girdle muscular dystrophy type 2J. Last evaluated: 2023-08-02. Review status: criteria provided, single submitter. Criteria: Invitae Variant Classification Sherloc (09022015). Collection method: clinical testing. Allele origin: germline.
Comment: In summary, the currently available evidence indicates that the variant is pathogenic, but additional data are needed to prove that conclusively. Therefore, this variant has been classified as Likely Pathogenic. This variant is located in the A band of TTN (PMID: 25589632). Truncating variants in this region are significantly overrepresented in patients affected with dilated cardiomyopathy (PMID: 25589632). Truncating variants in this region have also been reported in individuals affected with autosomal recessive centronuclear myopathy (PMID: 23975875). ClinVar contains an entry for this variant (Variation ID: 1747887). This variant has not been reported in the literature in individuals affected with TTN-related conditions. This variant is not present in population databases (gnomAD no frequency). This sequence change creates a premature translational stop signal (p.Gln27396Profs*6) in the TTN gene. While this is not anticipated to result in nonsense mediated decay, it is expected to create a truncated TTN protein.

Ambry Genetics
Classification: Likely pathogenic for Cardiovascular phenotype. Last evaluated: 2023-04-27. Review status: criteria provided, single submitter. Criteria: Ambry Variant Classification Scheme 2023. Collection method: clinical testing. Allele origin: germline.
Comment: The c.54991dupC variant, located in coding exon 153 of the TTN gene, results from a duplication of C at nucleotide position 54991, causing a translational frameshift with a predicted alternate stop codon (p.Q18331Pfs*6). This exon is located in the A-band region of the N2-B isoform of the titin protein and is constitutively expressed in TTN transcripts (percent spliced in or PSI 100%). This variant is considered to be rare based on population cohorts in the Genome Aggregation Database (gnomAD). This alteration is expected to result in loss of function by premature protein truncation or nonsense-mediated mRNA decay. While truncating variants in TTN are present in 1-3% of the general population, truncating variants in the A-band are the most common cause of dilated cardiomyopathy (DCM) (Herman DS et al. N. Engl. J. Med. 2012 Feb;366:619-28; Roberts AM et al. Sci Transl Med. 2015 Jan;7:270ra6). TTN truncating variants encoded in constitutive exons (PSI >90%) have been found to be significantly associated with DCM regardless of their position in titin (Schafer S et al. Nat. Genet. 2017 Jan;49:46-53). Based on the majority of available evidence to date, this variant is likely to be pathogenic.

Literature cited by the submitters: PubMed 25589632 (cited by Labcorp Genetics (formerly Invitae), Labcorp); PubMed 23975875 (cited by Labcorp Genetics (formerly Invitae), Labcorp).